The following is an entry in ClinVar:

ClinVar aggregate classification (germline): Pathogenic (1 of 4 stars; one submission).

Conditions:
Intellectual developmental disorder, autosomal dominant 64. Also called: MENTAL RETARDATION, AUTOSOMAL DOMINANT 64. Identifiers: MedGen C5543067, MONDO:0030934, OMIM 619188.

Submission:

Center for Human Genetics and Genomic Medicine, Uniklinik Rwth Aachen
Classification: Pathogenic for Intellectual developmental disorder, autosomal dominant 64. Last evaluated: 2024-04-10. Review status: criteria provided, single submitter. Criteria: ACMG Guidelines, 2015. Collection method: clinical testing. Allele origin: de novo. Inheritance: Autosomal dominant inheritance. Affected: yes.
Comment: the detected variant has not yet been reported in online databases (dbSNP, clinvar, gnomAD), or in literature. Bioniformatic tools (SIFT (v6.2.0), MutationTaster (v2021), Poly-Phen-2) predict a damaging effect. The variants leads to a premature stop codon. ACMG criteria are PVS1, PS2, PM2. The variant meets the criteria to be classified as pathogenic.

NM_015021.3(ZNF292):c.5233C>T (p.Gln1745Ter)

Gene: ZNF292 (zinc finger protein 292; plus strand). Cytogenetic location: 6q14.3.
Variant type: single nucleotide variant.
Coding change: c.5233C>T on transcript NM_015021.3 (MANE Select); coding-DNA position 5233, C replaced by T.
Protein change: p.Gln1745Ter; replaces glutamine 1745 with a stop codon.
Molecular consequence: nonsense.
Genome position (GRCh38, 1-based): chr6:87,258,862, C>T. VCF-style: chr6-87258862-C-T. GRCh37 (hg19) VCF-style: chr6-87968580-C-T.
Other names: c.4813C>T, p.Gln1605Ter (NM_001351444.2); short protein forms Q1605*, Q1745*.
Identifiers: ClinVar variation 3068522 (VCV003068522.2), dbSNP rs2482339428, ClinGen allele CA364931729.